The following is an entry in ClinVar:

ClinVar aggregate classification (germline): Uncertain significance. Review status: criteria provided, multiple submitters, no conflicts (2 of 4 stars). 2 submissions from 2 submitters: Uncertain significance (2). Last evaluated 2025-08-27.

Allele frequency attached by ClinVar (database versions not stated): TOPMed 0.00003; ExAC 0.00005; gnomAD 0.00005 and 0.00006; ESP Exome Variant Server 0.00008.

Submissions (2):

Labcorp Genetics (formerly Invitae), Labcorp
Classification: Uncertain significance. Last evaluated: 2025-08-27. Review status: criteria provided, single submitter. Criteria: Invitae Variant Classification Sherloc (09022015). Collection method: clinical testing. Allele origin: germline.
Comment: This sequence change replaces histidine, which is basic and polar, with proline, which is neutral and non-polar, at codon 434 of the TMC1 protein (p.His434Pro). This variant is present in population databases (rs375264737, gnomAD 0.02%). This variant has not been reported in the literature in individuals affected with TMC1-related conditions. ClinVar contains an entry for this variant (Variation ID: 1218833). Invitae Evidence Modeling of protein sequence and biophysical properties (such as structural, functional, and spatial information, amino acid conservation, physicochemical variation, residue mobility, and thermodynamic stability) has been performed for this missense variant. However, the output from this modeling did not meet the statistical confidence thresholds required to predict the impact of this variant on TMC1 protein function. In summary, the available evidence is currently insufficient to determine the role of this variant in disease. Therefore, it has been classified as a Variant of Uncertain Significance.

GeneDx
Classification: Uncertain significance. Last evaluated: 2023-05-09. Review status: criteria provided, single submitter. Criteria: GeneDx Variant Classification Process June 2021. Collection method: clinical testing. Allele origin: germline. Affected: yes.
Comment: In silico analysis supports that this missense variant has a deleterious effect on protein structure/function; Has not been previously published as pathogenic or benign to our knowledge

NM_138691.3(TMC1):c.1301A>C (p.His434Pro)

Gene: TMC1 (transmembrane channel like 1; plus strand). Cytogenetic location: 9q21.13.
Variant type: single nucleotide variant.
Coding change: c.1301A>C on transcript NM_138691.3 (MANE Select); coding-DNA position 1301, A replaced by C.
Protein change: p.His434Pro; replaces histidine 434 with proline.
Molecular consequence: missense variant.
Genome position (GRCh38, 1-based): chr9:72,791,962, A>C. VCF-style: chr9-72791962-A-C. GRCh37 (hg19) VCF-style: chr9-75406878-A-C.
Other names: short protein forms H434P.
Identifiers: ClinVar variation 1218833 (VCV001218833.9), dbSNP rs375264737, ClinGen allele CA5081919.